The following is an entry in ClinVar:

ClinVar aggregate classification (germline): Uncertain significance (1 of 4 stars; one submission).

Allele frequency attached by ClinVar (database versions not stated): gnomAD exomes below 0.00001; gnomAD 0.00001; TOPMed 0.00005.
gnomAD v4.1: 4 of 1,602,608 alleles (0.00025%); highest among the groups gnomAD compares: African/African-American, 0.0054%; no homozygotes.

Submission:

Labcorp Genetics (formerly Invitae), Labcorp
Classification: Uncertain significance. Last evaluated: 2022-07-05. Review status: criteria provided, single submitter. Criteria: Invitae Variant Classification Sherloc (09022015). Collection method: clinical testing. Allele origin: germline.
Comment: ClinVar contains an entry for this variant (Variation ID: 1474106). In summary, the available evidence is currently insufficient to determine the role of this variant in disease. Therefore, it has been classified as a Variant of Uncertain Significance. Variants that disrupt the consensus splice site are a relatively common cause of aberrant splicing (PMID: 17576681, 9536098). Algorithms developed to predict the effect of sequence changes on RNA splicing suggest that this variant is not likely to affect RNA splicing. This variant has not been reported in the literature in individuals affected with NEK2-related conditions. This variant is present in population databases (no rsID available, gnomAD 0.01%). This sequence change falls in intron 2 of the NEK2 gene. It does not directly change the encoded amino acid sequence of the NEK2 protein. It affects a nucleotide within the consensus splice site.

Literature cited by the submitters: PubMed 17576681; PubMed 9536098.

NM_002497.4(NEK2):c.314+5G>A

Gene: NEK2 (NIMA related kinase 2; minus strand). Cytogenetic location: 1q32.3.
Variant type: single nucleotide variant.
Coding change: c.314+5G>A on transcript NM_002497.4 (MANE Select); 5 bases into the intron after coding-DNA position 314, G replaced by A.
Molecular consequence: intron variant.
Genome position (GRCh38, 1-based): chr1:211,674,291, C>T on the plus strand (G>A on the coding strand, the complement: NEK2 is on the minus strand). VCF-style: chr1-211674291-C-T. GRCh37 (hg19) VCF-style: chr1-211847633-C-T.
Other names: c.314+5G>A (NM_001204182.2, NM_001204183.2).
Identifiers: ClinVar variation 1474106 (VCV001474106.6), dbSNP rs1379627641, ClinGen allele CA529000988.
Genomic context (GRCh38, chr1:211,674,291, plus strand): 5'-CAAGATGCTTAAAATAAATGAAACTAGACCAATTTCAGCTTACATTTTTAAAAGATTATG[C>T]TTACCTTTCCTTGGTTCCCTTTGTAATTACACTAGCCAGATCCCCTCCTTCACAATATTC-3'